The following is an entry in ClinVar:

ClinVar aggregate classification (germline): Uncertain significance (1 of 4 stars; one submission).

Conditions:
Syndromic intellectual disability. Also called: Intellectual disability syndrome. Identifiers: Orphanet 183763, MedGen C5680525, MONDO:0000508.

gnomAD v4.1: 1 of 1,608,786 alleles (0.000062%); highest among the groups gnomAD compares: Non-Finnish European, 0.000085%; no homozygotes.

Submission:

Molecular Genetics, Royal Melbourne Hospital
Classification: Uncertain significance for Syndromic intellectual disability. Last evaluated: 2023-11-05. Review status: criteria provided, single submitter. Criteria: ACMG Guidelines, 2015. Collection method: clinical testing. Allele origin: germline. Inheritance: Autosomal dominant inheritance. Affected: yes.
Comment: This sequence change in NAA15 is predicted to replace leucine with valine at codon 790, p.(Leu790Val). The leucine residue is highly conserved (100 vertebrates, UCSC), and is located in the HYPK interacting region. There is a small physicochemical difference between leucine and valine. This variant is absent from the population database gnomAD v2.1 and v3.1. To our knowledge, this variant is novel and has not been previously reported in the relevant scientific literature or databases. Computational evidence is uninformative for the missense substitution (REVEL = 0.121). Based on the classification scheme RMH Modified ACMG/AMP Guidelines v1.6.1, this variant is classified as a VARIANT OF UNCERTAIN SIGNIFICANCE. Following criteria are met: BP4, PM2_Supporting.

NM_057175.5(NAA15):c.2368C>G (p.Leu790Val)

Gene: NAA15 (N-alpha-acetyltransferase 15, NatA auxiliary subunit; plus strand). Cytogenetic location: 4q31.1.
Variant type: single nucleotide variant.
Coding change: c.2368C>G on transcript NM_057175.5 (MANE Select); coding-DNA position 2368, C replaced by G.
Protein change: p.Leu790Val; replaces leucine 790 with valine.
Molecular consequence: missense variant.
Genome position (GRCh38, 1-based): chr4:139,386,198, C>G. VCF-style: chr4-139386198-C-G. GRCh37 (hg19) VCF-style: chr4-140307352-C-G.
Other names: c.2365C>G, p.Leu789Val (NM_001410842.1); c.*777C>G (NM_025085.2); short protein forms L789V, L790V.
Identifiers: ClinVar variation 3068701 (VCV003068701.1), dbSNP rs997896274, ClinGen allele CA358270936.